The following is an entry in ClinVar:

NM_004655.4(AXIN2):c.1793G>T (p.Gly598Val)

Gene: AXIN2 (axin 2; minus strand). Cytogenetic location: 17q24.1.
Variant type: single nucleotide variant.
Coding change: c.1793G>T on transcript NM_004655.4 (MANE Select); coding-DNA position 1793, G replaced by T.
Protein change: p.Gly598Val; replaces glycine 598 with valine.
Molecular consequence: missense variant. On other transcripts: intron variant (1).
Genome position (GRCh38, 1-based): chr17:65,536,983, C>A on the plus strand (G>T on the coding strand, the complement: AXIN2 is on the minus strand). VCF-style: chr17-65536983-C-A. GRCh37 (hg19) VCF-style: chr17-63533101-C-A.
Other names: c.1712+341G>T (NM_001363813.1); short protein forms G598V.
Identifiers: ClinVar variation 4721869 (VCV004721869.1).
Genomic context (GRCh38, chr17:65,536,983, plus strand): 5'-TCCTGCGACCTGTCTCCTTCCTCCCGGGGAAGCTGCAGGGCCCCAGCTCCGCCGGGGGCC[C>A]CTCCTTCCCTGGCGGGCAGGGCCAGGCCCGGCTCCGTGCCTTTCCCATTGCGTTTGGGCA-3'
Protein context (NP_004646.3, residues 588-608): PGLALPAREG[Gly598Val]APGGAGALQL

ClinVar aggregate classification (germline): Uncertain significance (1 of 4 stars; one submission).

Conditions:
Oligodontia-cancer predisposition syndrome. Also called: TOOTH AGENESIS-COLORECTAL CANCER SYNDROME. Identifiers: Orphanet 300576, MedGen C1837750, MONDO:0012075, OMIM 608615. Disease mechanism: loss of function.

Submission:

Labcorp Genetics (formerly Invitae), Labcorp
Classification: Uncertain significance for Oligodontia-cancer predisposition syndrome. Last evaluated: 2025-06-22. Review status: criteria provided, single submitter. Criteria: Invitae Variant Classification Sherloc (09022015). Collection method: clinical testing. Allele origin: germline.
Comment: This sequence change replaces glycine, which is neutral and non-polar, with valine, which is neutral and non-polar, at codon 598 of the AXIN2 protein (p.Gly598Val). This variant is not present in population databases (gnomAD no frequency). This variant has not been reported in the literature in individuals affected with AXIN2-related conditions. An algorithm developed to predict the effect of missense changes on protein structure and function (PolyPhen-2) suggests that this variant is likely to be disruptive. In summary, the available evidence is currently insufficient to determine the role of this variant in disease. Therefore, it has been classified as a Variant of Uncertain Significance.